The following is an entry in ClinVar:

NM_001165963.4(SCN1A):c.3706-20G>A

Genes: SCN1A (sodium voltage-gated channel alpha subunit 1; minus strand), LOC102724058 (uncharacterized LOC102724058; plus strand). Cytogenetic location: 2q24.3.
Variant type: single nucleotide variant.
Coding change: c.3706-20G>A on transcript NM_001165963.4 (MANE Select); 20 bases into the intron before coding-DNA position 3706, G replaced by A.
Molecular consequence: intron variant.
Genome position (GRCh38, 1-based): chr2:166,012,302, C>T on the plus strand (G>A on the coding strand, the complement: SCN1A is on the minus strand). VCF-style: chr2-166012302-C-T. GRCh37 (hg19) VCF-style: chr2-166868812-C-T.
Other names: c.3673-20G>A (NM_001353949.2, NM_001353950.2, NM_001353951.2 and 2 more transcripts); c.3622-20G>A (NM_001353958.2, NM_001353957.2, NM_001165964.3); c.3706-20G>A (NM_001202435.3, NM_001353948.2); c.3670-20G>A (NM_001353955.2, NM_001353954.2); c.3619-20G>A (NM_001353960.2); c.1264-20G>A (NM_001353961.2).
Identifiers: ClinVar variation 512174 (VCV000512174.11), dbSNP rs187973818, ClinGen allele CA1942899.

ClinVar aggregate classification (germline): Likely benign. Review status: criteria provided, multiple submitters, no conflicts (2 of 4 stars). 3 submissions from 3 submitters: Likely benign (3). Last evaluated 2025-08-29.

Conditions:
Early-infantile DEE. Also called: Ohtahara syndrome; Early infantile epileptic encephalopathy with suppression bursts; Early infantile epileptic encephalopathy. Identifiers: Orphanet 1934, MedGen C0393706, MONDO:0800491.

Allele frequency attached by ClinVar (database versions not stated): gnomAD 0.00008 and 0.00009; gnomAD exomes 0.00008 and 0.00016; TOPMed 0.00009; ExAC 0.00010; 1000 Genomes Project 0.00060; 1000 Genomes Project 30x 0.00062.

Submissions (3):

Labcorp Genetics (formerly Invitae), Labcorp
Classification: Likely benign for Early-infantile DEE. Last evaluated: 2025-08-29. Review status: criteria provided, single submitter. Criteria: Invitae Variant Classification Sherloc (09022015). Collection method: clinical testing. Allele origin: germline.

Blueprint Genetics
Classification: Likely benign. Last evaluated: 2023-02-15. Review status: criteria provided, single submitter. Criteria: ACMG Guidelines, 2015. Collection method: clinical testing. Allele origin: germline.

GeneDx
Classification: Likely benign. Last evaluated: 2017-09-15. Review status: criteria provided, single submitter. Criteria: GeneDx Variant Classification (06012015). Collection method: clinical testing. Allele origin: germline. Affected: yes.
Comment: This variant is considered likely benign or benign based on one or more of the following criteria: it is a conservative change, it occurs at a poorly conserved position in the protein, it is predicted to be benign by multiple in silico algorithms, and/or has population frequency not consistent with disease.